The following is an entry in ClinVar:

ClinVar aggregate classification (germline): Likely benign (0 of 4 stars; one submission).

Conditions:
COL8A1-related disorder. Also called: COL8A1-related condition.

Allele frequency attached by ClinVar (database versions not stated): TOPMed 0.00021; gnomAD 0.00022; ESP Exome Variant Server 0.00038; 1000 Genomes Project 30x 0.00016; 1000 Genomes Project 0.00020.
gnomAD v4.1: 606 of 1,613,674 alleles (0.038%); highest among the groups gnomAD compares: Middle Eastern, 0.15%; no homozygotes.

Submission:

PreventionGenetics, part of Exact Sciences
Classification: Likely benign for COL8A1-related condition. Last evaluated: 2019-10-25. Review status: no assertion criteria provided. Collection method: clinical testing. Allele origin: germline.
Comment: This variant is classified as likely benign based on ACMG/AMP sequence variant interpretation guidelines (Richards et al. 2015 PMID: 25741868, with internal and published modifications).

NM_020351.4(COL8A1):c.750G>A (p.Ala250=)

Gene: COL8A1 (collagen type VIII alpha 1 chain; plus strand). Cytogenetic location: 3q12.1.
Variant type: single nucleotide variant.
Coding change: c.750G>A on transcript NM_020351.4 (MANE Select); coding-DNA position 750, G replaced by A.
Protein change: p.Ala250=; no amino-acid change (alanine 250 retained).
Molecular consequence: synonymous variant.
Genome position (GRCh38, 1-based): chr3:99,794,651, G>A. VCF-style: chr3-99794651-G-A. GRCh37 (hg19) VCF-style: chr3-99513495-G-A.
Other names: c.750G>A, p.Ala250= (NM_001850.5).
Identifiers: ClinVar variation 3046113 (VCV003046113.2), dbSNP rs138724036, ClinGen allele CA2512918.